The following is an entry in ClinVar:

NM_004656.4(BAP1):c.458C>A (p.Pro153His)

Gene: BAP1 (BRCA1 associated deubiquitinase 1; minus strand). Cytogenetic location: 3p21.1.
Variant type: single nucleotide variant.
Coding change: c.458C>A on transcript NM_004656.4 (MANE Select); coding-DNA position 458, C replaced by A.
Protein change: p.Pro153His; replaces proline 153 with histidine.
Molecular consequence: missense variant.
Genome position (GRCh38, 1-based): chr3:52,407,296, G>T on the plus strand (C>A on the coding strand, the complement: BAP1 is on the minus strand). VCF-style: chr3-52407296-G-T. GRCh37 (hg19) VCF-style: chr3-52441312-G-T.
Other names: c.458C>A (NM_004656.2); short protein forms P153H.
Identifiers: ClinVar variation 1317131 (VCV001317131.9), dbSNP rs1306568192, ClinGen allele CA353110315.

ClinVar aggregate classification (germline): Uncertain significance. Review status: criteria provided, multiple submitters, no conflicts (2 of 4 stars). 3 submissions from 3 submitters: Uncertain significance (3). Last evaluated 2025-11-20.

Conditions:
Hereditary cancer-predisposing syndrome. Also called: Hereditary neoplastic syndrome; Neoplastic Syndromes, Hereditary; Tumor predisposition; Hereditary Cancer Syndrome. Identifiers: Orphanet 140162, MedGen C0027672, MeSH D009386, MONDO:0015356.
BAP1-related tumor predisposition syndrome (TPDS1). Also called: COMMON Syndrome; Tumor susceptibility linked to germline BAP1 mutations; BAP1 tumor predisposition syndrome; TUMOR PREDISPOSITION SYNDROME 1. Identifiers: Orphanet 289539, MedGen C3280492, MONDO:0013692, OMIM 614327.

Allele frequency attached by ClinVar (database versions not stated): gnomAD exomes below 0.00001; gnomAD 0.00001.

Submissions (3):

Ambry Genetics
Classification: Uncertain significance for Hereditary cancer-predisposing syndrome. Last evaluated: 2025-11-20. Review status: criteria provided, single submitter. Criteria: Ambry Variant Classification Scheme 2023. Collection method: clinical testing. Allele origin: germline.
Comment: The p.P153H variant (also known as c.458C>A), located in coding exon 7 of the BAP1 gene, results from a C to A substitution at nucleotide position 458. The proline at codon 153 is replaced by histidine, an amino acid with similar properties. This amino acid position is conserved. In addition, the in silico prediction for this alteration is inconclusive. Since supporting evidence is limited at this time, the clinical significance of this alteration remains unclear.

Labcorp Genetics (formerly Invitae), Labcorp
Classification: Uncertain significance for BAP1-related tumor predisposition syndrome. Last evaluated: 2025-04-01. Review status: criteria provided, single submitter. Criteria: Invitae Variant Classification Sherloc (09022015). Collection method: clinical testing. Allele origin: germline.
Comment: This sequence change replaces proline, which is neutral and non-polar, with histidine, which is basic and polar, at codon 153 of the BAP1 protein (p.Pro153His). This variant is present in population databases (no rsID available, gnomAD 0.01%). This variant has not been reported in the literature in individuals affected with BAP1-related conditions. ClinVar contains an entry for this variant (Variation ID: 1317131). Invitae Evidence Modeling of protein sequence and biophysical properties (such as structural, functional, and spatial information, amino acid conservation, physicochemical variation, residue mobility, and thermodynamic stability) has been performed for this missense variant. However, the output from this modeling did not meet the statistical confidence thresholds required to predict the impact of this variant on BAP1 protein function. In summary, the available evidence is currently insufficient to determine the role of this variant in disease. Therefore, it has been classified as a Variant of Uncertain Significance.

GeneDx
Classification: Uncertain significance. Last evaluated: 2019-07-16. Review status: criteria provided, single submitter. Criteria: GeneDx Variant Classification Process June 2021. Collection method: clinical testing. Allele origin: germline. Affected: yes.
Comment: Not observed at a significant frequency in large population cohorts (Lek et al., 2016); In silico analysis, which includes protein predictors and evolutionary conservation, supports a deleterious effect; Has not been previously published as pathogenic or benign to our knowledge